The following is an entry in ClinVar:

ClinVar aggregate classification (germline): Uncertain significance (1 of 4 stars; one submission).

gnomAD v4.1: 21 of 1,565,594 alleles (0.0013%); highest among the groups gnomAD compares: Non-Finnish European, 0.0018%; no homozygotes.

Submission:

Greenwood Genetic Center Diagnostic Laboratories, Greenwood Genetic Center
Classification: Uncertain significance. Last evaluated: 2025-10-20. Review status: criteria provided, single submitter. Criteria: ACMG Guidelines, 2015. Collection method: clinical testing. Allele origin: germline. Affected: yes.
Comment: PM2

NM_015466.4(PTPN23):c.2981C>T (p.Pro994Leu)

Gene: PTPN23 (protein tyrosine phosphatase non-receptor type 23; plus strand). Cytogenetic location: 3p21.31.
Variant type: single nucleotide variant.
Coding change: c.2981C>T on transcript NM_015466.4 (MANE Select); coding-DNA position 2981, C replaced by T.
Protein change: p.Pro994Leu; replaces proline 994 with leucine.
Molecular consequence: missense variant.
Genome position (GRCh38, 1-based): chr3:47,410,779, C>T. VCF-style: chr3-47410779-C-T. GRCh37 (hg19) VCF-style: chr3-47452269-C-T.
Other names: c.2603C>T, p.Pro868Leu (NM_001304482.2); short protein forms P868L, P994L.
Identifiers: ClinVar variation 4845585 (VCV004845585.1).